The following is an entry in ClinVar:

ClinVar aggregate classification (germline): Uncertain significance (1 of 4 stars; one submission).

Conditions:
Arrhythmogenic right ventricular dysplasia 13. Also called: ARRHYTHMOGENIC RIGHT VENTRICULAR CARDIOMYOPATHY 13; Arrhythmogenic right ventricular dysplasia, familial, 13. Identifiers: MedGen C3810138, MONDO:0000908, OMIM 615616.

Submission:

Labcorp Genetics (formerly Invitae), Labcorp
Classification: Uncertain significance for Arrhythmogenic right ventricular dysplasia 13. Last evaluated: 2025-11-08. Review status: criteria provided, single submitter. Criteria: Invitae Variant Classification Sherloc (09022015). Collection method: clinical testing. Allele origin: germline.
Comment: This sequence change creates a premature translational stop signal (p.Leu148Cysfs*40) in the CTNNA3 gene. It is expected to result in an absent or disrupted protein product. However, the current clinical and genetic evidence is not sufficient to establish whether loss-of-function variants in CTNNA3 cause disease. This variant is not present in population databases (gnomAD no frequency). This variant has not been reported in the literature in individuals affected with CTNNA3-related conditions. In summary, the available evidence is currently insufficient to determine the role of this variant in disease. Therefore, it has been classified as a Variant of Uncertain Significance.

NM_013266.4(CTNNA3):c.441del (p.Leu148fs)

Gene: CTNNA3 (catenin alpha 3; minus strand). Cytogenetic location: 10q21.3.
Variant type: Deletion.
Coding change: c.441del on transcript NM_013266.4 (MANE Select); coding-DNA position 441, one base deleted (C; older notation c.441delC).
Protein change: p.Leu148fs; shifts the reading frame from leucine 148.
Molecular consequence: frameshift variant.
Genome position (GRCh38, 1-based): chr10:67,539,521, G deleted on the plus strand (C on the coding strand, the reverse complement: CTNNA3 is on the minus strand). VCF-style (leftmost placement, unchanged base first): chr10-67539520-AG-A. GRCh37 (hg19) VCF-style: chr10-69299278-AG-A.
Other names: c.441del, p.Leu148fs (NM_001127384.3); c.477del, p.Leu160fs (NM_001291133.2); short protein forms L160fs, L148fs.
Identifiers: ClinVar variation 4730694 (VCV004730694.1).